The following is an entry in ClinVar:

ClinVar aggregate classification (germline): Pathogenic (1 of 4 stars; one submission).

Conditions:
Bethlem myopathy 1A. Also called: Bethlem Muscular Dystrophy; MYOPATHY, BENIGN CONGENITAL, WITH CONTRACTURES; Bethlem myopathy 1. Identifiers: Orphanet 610, MedGen CN029274, MONDO:0024530, OMIM 158810.

Submission:

Labcorp Genetics (formerly Invitae), Labcorp
Classification: Pathogenic for Bethlem myopathy 1A. Last evaluated: 2019-08-17. Review status: criteria provided, single submitter. Criteria: Invitae Variant Classification Sherloc (09022015). Collection method: clinical testing. Allele origin: germline.
Comment: This sequence change creates a premature translational stop signal (p.Arg417Alafs*128) in the COL6A2 gene. It is expected to result in an absent or disrupted protein product. This variant is not present in population databases (ExAC no frequency). This variant has not been reported in the literature in individuals with COL6A2-related conditions. Loss-of-function variants in COL6A2 are known to be pathogenic (PMID: 19884007, 20976770). For these reasons, this variant has been classified as Pathogenic.

Literature cited by the submitters: PubMed 19884007; PubMed 20976770.

NM_001849.4(COL6A2):c.1249del (p.Arg417fs)

Gene: COL6A2 (collagen type VI alpha 2 chain; plus strand). Cytogenetic location: 21q22.3.
Variant type: Deletion.
Coding change: c.1249del on transcript NM_001849.4 (MANE Select); coding-DNA position 1249, one base deleted (C; older notation c.1249delC).
Protein change: p.Arg417fs; shifts the reading frame from arginine 417.
Molecular consequence: frameshift variant.
Genome position (GRCh38, 1-based): chr21:46,119,099, C deleted; the last of 4 consecutive C bases (chr21:46,119,096-46,119,099); deleting any one gives the same sequence. VCF-style (leftmost placement, unchanged base first): chr21-46119095-GC-G. GRCh37 (hg19) VCF-style: chr21-47539009-GC-G.
Other names: c.1249del, p.Arg417fs (NM_058174.3, NM_058175.3); short protein forms R417fs.
Identifiers: ClinVar variation 947266 (VCV000947266.8), dbSNP rs2078521344, ClinGen allele CA1139666903.